The following is an entry in ClinVar:

NM_000135.4(FANCA):c.2505-10C>G

Gene: FANCA (FA complementation group A; minus strand). Cytogenetic location: 16q24.3.
Variant type: single nucleotide variant.
Coding change: c.2505-10C>G on transcript NM_000135.4 (MANE Select); 10 bases into the intron before coding-DNA position 2505, C replaced by G.
Molecular consequence: intron variant.
Genome position (GRCh38, 1-based): chr16:89,767,247, G>C on the plus strand (C>G on the coding strand, the complement: FANCA is on the minus strand). VCF-style: chr16-89767247-G-C. GRCh37 (hg19) VCF-style: chr16-89833655-G-C.
Other names: c.2505-10C>G (NM_001286167.3).
Identifiers: ClinVar variation 744689 (VCV000744689.10), dbSNP rs1271668667, ClinGen allele CA915949444.

ClinVar aggregate classification (germline): Likely benign. Review status: criteria provided, single submitter (1 of 4 stars). 2 submissions from 2 submitters: Likely benign (1). 1 of the submissions does not count toward it. Last evaluated 2025-08-10.

Conditions:
FANCA-related disorder. Also called: FANCA-related condition.
Fanconi anemia (FA). Also called: Fanconi's anemia. Identifiers: Orphanet 84, MedGen C0015625, MeSH D005199, MONDO:0019391.

Submissions (2):

Labcorp Genetics (formerly Invitae), Labcorp
Classification: Likely benign for Fanconi anemia. Last evaluated: 2025-08-10. Review status: criteria provided, single submitter. Criteria: Invitae Variant Classification Sherloc (09022015). Collection method: clinical testing. Allele origin: germline.

PreventionGenetics, part of Exact Sciences
Classification: Likely benign for FANCA-related condition. Last evaluated: 2024-03-08. Review status: no assertion criteria provided. Collection method: clinical testing. Allele origin: germline. Not counted in ClinVar's aggregate classification.
Comment: This variant is classified as likely benign based on ACMG/AMP sequence variant interpretation guidelines (Richards et al. 2015 PMID: 25741868, with internal and published modifications).